The following is an entry in ClinVar:

NM_001289125.3(IFNAR2):c.465A>G (p.Pro155=)

Genes: IFNAR2 (interferon alpha and beta receptor subunit 2; plus strand), IFNAR2-IL10RB (IFNAR2-IL10RB readthrough; plus strand). Cytogenetic location: 21q22.11.
Variant type: single nucleotide variant.
Coding change: c.465A>G on transcript NM_001289125.3 (MANE Select); coding-DNA position 465, A replaced by G.
Protein change: p.Pro155=; no amino-acid change (proline 155 retained).
Molecular consequence: synonymous variant.
Genome position (GRCh38, 1-based): chr21:33,248,779, A>G. VCF-style: chr21-33248779-A-G. GRCh37 (hg19) VCF-style: chr21-34621084-A-G.
Other names: p.Pro155=; c.465A>G, p.Pro155= (NM_000874.5, NM_001289126.2, NM_001289128.2 and 4 more transcripts); c.465A>G (NM_207585.2).
Identifiers: ClinVar variation 1167935 (VCV001167935.10), dbSNP rs143867273, ClinGen allele CA10005667.

ClinVar aggregate classification (germline): Benign. Review status: criteria provided, multiple submitters, no conflicts (2 of 4 stars). 2 submissions from 2 submitters: Benign (2). Last evaluated 2026-01-24.

Allele frequency attached by ClinVar (database versions not stated): ESP Exome Variant Server 0.00008; gnomAD 0.00021; gnomAD exomes 0.00028 and 0.00147; 1000 Genomes Project 30x 0.00031; 1000 Genomes Project 0.00040; TOPMed 0.00063; ExAC 0.00112.
gnomAD v4.1: 434 of 1,611,580 alleles (0.027%); highest among the groups gnomAD compares: Admixed American, 0.7%; 5 homozygotes.

Submissions (2):

Labcorp Genetics (formerly Invitae), Labcorp
Classification: Benign. Last evaluated: 2026-01-24. Review status: criteria provided, single submitter. Criteria: Invitae Variant Classification Sherloc (09022015). Collection method: clinical testing. Allele origin: germline.

Mayo Clinic Laboratories, Mayo Clinic
Classification: Benign. Last evaluated: 2024-11-25. Review status: criteria provided, single submitter. Criteria: ACMG Guidelines, 2015. Collection method: clinical testing. Allele origin: germline. Observed: 1 variant allele.
Comment: BS1, BS2, BP4, BP7